The following is an entry in ClinVar:

NM_004699.4(FAM50A):c.859G>A (p.Asp287Asn)

Gene: FAM50A (family with sequence similarity 50 member A; plus strand). Cytogenetic location: Xq28.
Variant type: single nucleotide variant.
Coding change: c.859G>A on transcript NM_004699.4 (MANE Select); coding-DNA position 859, G replaced by A.
Protein change: p.Asp287Asn; replaces aspartic acid 287 with asparagine.
Molecular consequence: missense variant.
Genome position (GRCh38, 1-based): chrX:154,450,058, G>A. VCF-style: chrX-154450058-G-A. GRCh37 (hg19) VCF-style: chrX-153678406-G-A.
Other names: short protein forms D287N.
Identifiers: ClinVar variation 2662101 (VCV002662101.1), dbSNP rs1557200364, ClinGen allele CA415220673.

ClinVar aggregate classification (germline): Uncertain significance (1 of 4 stars; one submission).

Allele frequency attached by ClinVar (database versions not stated): gnomAD exomes below 0.00001.
gnomAD v4.1: 1 of 1,211,247 alleles (0.000083%); no homozygotes.

Submission:

GeneDx
Classification: Uncertain significance. Last evaluated: 2023-05-08. Review status: criteria provided, single submitter. Criteria: GeneDx Variant Classification Process June 2021. Collection method: clinical testing. Allele origin: germline. Affected: yes.
Comment: In silico analysis supports that this missense variant has a deleterious effect on protein structure/function; Has not been previously published as pathogenic or benign to our knowledge